The following is an entry in ClinVar:

NM_000432.4(MYL2):c.402+93C>T

Gene: MYL2 (myosin light chain 2; minus strand). Cytogenetic location: 12q24.11.
Variant type: single nucleotide variant.
Coding change: c.402+93C>T on transcript NM_000432.4 (MANE Select); 93 bases into the intron after coding-DNA position 402, C replaced by T.
Molecular consequence: intron variant.
Genome position (GRCh38, 1-based): chr12:110,913,003, G>A on the plus strand (C>T on the coding strand, the complement: MYL2 is on the minus strand). VCF-style: chr12-110913003-G-A. GRCh37 (hg19) VCF-style: chr12-111350807-G-A.
Identifiers: ClinVar variation 671322 (VCV000671322.2), dbSNP rs61940351, ClinGen allele CA243561307.

ClinVar aggregate classification (germline): Likely benign. Review status: criteria provided, multiple submitters, no conflicts (2 of 4 stars). 2 submissions from 2 submitters: Likely benign (2). Last evaluated 2018-06-19.

Allele frequency attached by ClinVar (database versions not stated): TOPMed 0.00922; 1000 Genomes Project 30x 0.00406; 1000 Genomes Project 0.00439.
gnomAD v4.1: 19,005 of 1,353,256 alleles (1.4%); highest among the groups gnomAD compares: Non-Finnish European, 1.5%; 199 homozygotes.

Submissions (2):

GeneDx
Classification: Likely benign. Last evaluated: 2018-06-19. Review status: criteria provided, single submitter. Criteria: GeneDx Variant Classification (06012015). Collection method: clinical testing. Allele origin: germline. Affected: yes.
Comment: This variant is considered likely benign or benign based on one or more of the following criteria: it is a conservative change, it occurs at a poorly conserved position in the protein, it is predicted to be benign by multiple in silico algorithms, and/or has population frequency not consistent with disease.

Breakthrough Genomics
Classification: Likely benign. Review status: criteria provided, single submitter. Criteria: ACMG Guidelines, 2015. Collection method: not provided. Allele origin: germline. Inheritance: Autosomal recessive inheritance. Affected: yes.